The following is an entry in ClinVar:

ClinVar aggregate classification (germline): Uncertain significance (1 of 4 stars; one submission).

Allele frequency attached by ClinVar (database versions not stated): ExAC 0.00016; gnomAD exomes 0.00018 and 0.00049; gnomAD 0.00021; TOPMed 0.00028; ESP Exome Variant Server 0.00038.
gnomAD v4.1: 733 of 1,614,006 alleles (0.045%); highest among the groups gnomAD compares: Non-Finnish European, 0.058%; no homozygotes.

Submission:

Labcorp Genetics (formerly Invitae), Labcorp
Classification: Uncertain significance. Last evaluated: 2021-08-02. Review status: criteria provided, single submitter. Criteria: Invitae Variant Classification Sherloc (09022015). Collection method: clinical testing. Allele origin: germline.
Comment: In summary, the available evidence is currently insufficient to determine the role of this variant in disease. Therefore, it has been classified as a Variant of Uncertain Significance. Algorithms developed to predict the effect of missense changes on protein structure and function are either unavailable or do not agree on the potential impact of this missense change (SIFT: "Deleterious"; PolyPhen-2: "Probably Damaging"; Align-GVGD: "Class C0"). This variant has not been reported in the literature in individuals affected with PLTP-related conditions. This variant is present in population databases (rs138807551, ExAC 0.03%). This sequence change replaces arginine with tryptophan at codon 133 of the PLTP protein (p.Arg133Trp). The arginine residue is moderately conserved and there is a moderate physicochemical difference between arginine and tryptophan.

NM_006227.4(PLTP):c.397C>T (p.Arg133Trp)

Gene: PLTP (phospholipid transfer protein; minus strand). Cytogenetic location: 20q13.12.
Variant type: single nucleotide variant.
Coding change: c.397C>T on transcript NM_006227.4 (MANE Select); coding-DNA position 397, C replaced by T.
Protein change: p.Arg133Trp; replaces arginine 133 with tryptophan.
Molecular consequence: missense variant. On other transcripts: intron variant (2).
Genome position (GRCh38, 1-based): chr20:45,909,604, G>A on the plus strand (C>T on the coding strand, the complement: PLTP is on the minus strand). VCF-style: chr20-45909604-G-A. GRCh37 (hg19) VCF-style: chr20-44538243-G-A.
Other names: c.133C>T, p.Arg45Trp (NM_001242921.1); c.200+1548C>T (NM_001242920.2); c.329+338C>T (NM_182676.3); short protein forms R45W, R133W.
Identifiers: ClinVar variation 1432807 (VCV001432807.6), dbSNP rs138807551, ClinGen allele CA9883889.